The following is an entry in ClinVar:

NM_006206.6(PDGFRA):c.2107A>G (p.Lys703Glu)

Gene: PDGFRA (platelet derived growth factor receptor alpha; plus strand). Cytogenetic location: 4q12.
Variant type: single nucleotide variant.
Coding change: c.2107A>G on transcript NM_006206.6 (MANE Select); coding-DNA position 2107, A replaced by G.
Protein change: p.Lys703Glu; replaces lysine 703 with glutamic acid.
Molecular consequence: missense variant.
Genome position (GRCh38, 1-based): chr4:54,278,466, A>G. VCF-style: chr4-54278466-A-G. GRCh37 (hg19) VCF-style: chr4-55144633-A-G.
Other names: c.2107A>G, p.Lys703Glu (NM_001347827.2, NM_001347829.2); c.2182A>G, p.Lys728Glu (NM_001347828.2); c.2146A>G, p.Lys716Glu (NM_001347830.2); short protein forms K716E, K728E, K703E.
Identifiers: ClinVar variation 2453856 (VCV002453856.4), dbSNP rs2110316332, ClinGen allele CA356894065.

ClinVar aggregate classification (germline): Uncertain significance. Review status: criteria provided, multiple submitters, no conflicts (2 of 4 stars). 2 submissions from 2 submitters: Uncertain significance (2). Last evaluated 2025-01-20.

Conditions:
Hereditary cancer-predisposing syndrome. Also called: Hereditary Cancer Syndrome; Hereditary neoplastic syndrome; Neoplastic Syndromes, Hereditary; Tumor predisposition. Identifiers: Orphanet 140162, MedGen C0027672, MeSH D009386, MONDO:0015356.
Gastrointestinal stromal tumor. Also called: Gastrointestinal stromal tumor, somatic; Gastrointestinal stroma tumor. Identifiers: Orphanet 44890, MedGen C0238198, MeSH D046152, MONDO:0011719, OMIM 606764, HP:0100723.

Submissions (2):

Labcorp Genetics (formerly Invitae), Labcorp
Classification: Uncertain significance for Gastrointestinal stromal tumor. Last evaluated: 2025-01-20. Review status: criteria provided, single submitter. Criteria: Invitae Variant Classification Sherloc (09022015). Collection method: clinical testing. Allele origin: germline.
Comment: This sequence change replaces lysine, which is basic and polar, with glutamic acid, which is acidic and polar, at codon 703 of the PDGFRA protein (p.Lys703Glu). This variant is not present in population databases (gnomAD no frequency). This variant has not been reported in the literature in individuals affected with PDGFRA-related conditions. ClinVar contains an entry for this variant (Variation ID: 2453856). Invitae Evidence Modeling of protein sequence and biophysical properties (such as structural, functional, and spatial information, amino acid conservation, physicochemical variation, residue mobility, and thermodynamic stability) indicates that this missense variant is not expected to disrupt PDGFRA protein function with a negative predictive value of 80%. In summary, the available evidence is currently insufficient to determine the role of this variant in disease. Therefore, it has been classified as a Variant of Uncertain Significance.

Ambry Genetics
Classification: Uncertain significance for Hereditary cancer-predisposing syndrome. Last evaluated: 2022-12-05. Review status: criteria provided, single submitter. Criteria: Ambry Variant Classification Scheme 2023. Collection method: clinical testing. Allele origin: germline.
Comment: The p.K703E variant (also known as c.2107A>G), located in coding exon 14 of the PDGFRA gene, results from an A to G substitution at nucleotide position 2107. The lysine at codon 703 is replaced by glutamic acid, an amino acid with similar properties. This amino acid position is conserved. In addition, the in silico prediction for this alteration is inconclusive. Since supporting evidence is limited at this time, the clinical significance of this alteration remains unclear.